The following is an entry in ClinVar:

ClinVar aggregate classification (germline): Pathogenic (1 of 4 stars; one submission).

Conditions:
Retinoblastoma (RB1). Also called: RETINOBLASTOMA, SOMATIC. Identifiers: Orphanet 790, MedGen C0035335, MeSH D012175, MONDO:0008380, OMIM 180200, HP:0009919. Disease mechanism: loss of function. Inheritance: Both sporadic and heritable forms are tested..

Submission:

Labcorp Genetics (formerly Invitae), Labcorp
Classification: Pathogenic for Retinoblastoma. Last evaluated: 2021-04-20. Review status: criteria provided, single submitter. Criteria: Invitae Variant Classification Sherloc (09022015). Collection method: clinical testing. Allele origin: germline.
Comment: This sequence change creates a premature translational stop signal (p.Lys154Serfs*21) in the RB1 gene. It is expected to result in an absent or disrupted protein product. Loss-of-function variants in RB1 are known to be pathogenic (PMID: 17096365). For these reasons, this variant has been classified as Pathogenic. This variant has not been reported in the literature in individuals with RB1-related conditions. This variant is not present in population databases (ExAC no frequency).

Literature cited by the submitters: PubMed 17096365.

NM_000321.3(RB1):c.459del (p.Lys154fs)

Gene: RB1 (RB transcriptional corepressor 1; plus strand). Cytogenetic location: 13q14.2.
Variant type: Deletion.
Coding change: c.459del on transcript NM_000321.3 (MANE Select); coding-DNA position 459, one base deleted (G; older notation c.459delG).
Protein change: p.Lys154fs; shifts the reading frame from lysine 154.
Molecular consequence: frameshift variant.
Genome position (GRCh38, 1-based): chr13:48,345,158, G deleted. VCF-style (leftmost placement, unchanged base first): chr13-48345157-AG-A. GRCh37 (hg19) VCF-style: chr13-48919293-AG-A.
Other names: short protein forms K154fs.
Identifiers: ClinVar variation 1390834 (VCV001390834.6), dbSNP rs2138087628, ClinGen allele CA2573149546.